The following is an entry in ClinVar:

NM_001267550.2(TTN):c.107481G>C (p.Lys35827Asn)

Genes: TTN (titin; minus strand), TTN-AS1 (TTN antisense RNA 1; plus strand). Cytogenetic location: 2q31.2.
Variant type: single nucleotide variant.
Coding change: c.107481G>C on transcript NM_001267550.2 (MANE Select); coding-DNA position 107481, G replaced by C.
Protein change: p.Lys35827Asn; replaces lysine 35827 with asparagine.
Molecular consequence: missense variant.
Genome position (GRCh38, 1-based): chr2:178,527,645, C>G on the plus strand (G>C on the coding strand, the complement: TTN is on the minus strand). VCF-style: chr2-178527645-C-G. GRCh37 (hg19) VCF-style: chr2-179392372-C-G.
Other names: c.80661G>C, p.Lys26887Asn (NM_133432.3); c.80286G>C, p.Lys26762Asn (NM_003319.4); c.102558G>C, p.Lys34186Asn (NM_001256850.1); c.99777G>C, p.Lys33259Asn (NM_133378.4); c.80862G>C, p.Lys26954Asn (NM_133437.4); short protein forms K26762N, K26887N, K26954N, K33259N, K34186N, K35827N.
Identifiers: ClinVar variation 1051403 (VCV001051403.7), dbSNP rs1255811280, ClinGen allele CA349400776.

ClinVar aggregate classification (germline): Uncertain significance (1 of 4 stars; one submission).

Conditions:
Dilated cardiomyopathy 1G (CMD1G). Identifiers: Orphanet 154, MedGen C1858763, MONDO:0011400, OMIM 604145.
Autosomal recessive limb-girdle muscular dystrophy type 2J (LGMDR10). Also called: Limb-girdle muscular dystrophy, type 2J; MUSCULAR DYSTROPHY, LIMB-GIRDLE, AUTOSOMAL RECESSIVE 10. Identifiers: Orphanet 140922, MedGen C1837342, MONDO:0012127, OMIM 608807.

Submission:

Labcorp Genetics (formerly Invitae), Labcorp
Classification: Uncertain significance for Dilated cardiomyopathy 1G; Autosomal recessive limb-girdle muscular dystrophy type 2J. Last evaluated: 2020-01-24. Review status: criteria provided, single submitter. Criteria: Invitae Variant Classification Sherloc (09022015). Collection method: clinical testing. Allele origin: germline.
Comment: This variant has not been reported in the literature in individuals with TTN-related conditions. This variant is not present in population databases (ExAC no frequency). This sequence change replaces lysine with asparagine at codon 35827 of the TTN protein (p.Lys35827Asn). There is a moderate physicochemical difference between lysine and asparagine. In summary, the available evidence is currently insufficient to determine the role of this variant in disease. Therefore, it has been classified as a Variant of Uncertain Significance. This variant is located in the M band of TTN (PMID: 25589632). Variants in this region may be relevant for neuromuscular disorders, but have not been definitively shown to cause cardiomyopathy (PMID: 23975875). Algorithms developed to predict the effect of missense changes on protein structure and function are unavailable for the TTN gene.

Literature cited by the submitters: PubMed 25589632; PubMed 23975875.